The following is an entry in ClinVar:

NM_032578.4(MYPN):c.3707C>T (p.Ala1236Val)

Gene: MYPN (myopalladin; plus strand). Cytogenetic location: 10q21.3.
Variant type: single nucleotide variant.
Coding change: c.3707C>T on transcript NM_032578.4 (MANE Select); coding-DNA position 3707, C replaced by T.
Protein change: p.Ala1236Val; replaces alanine 1236 with valine.
Molecular consequence: missense variant. On other transcripts: non-coding transcript variant (2).
Genome position (GRCh38, 1-based): chr10:68,206,817, C>T. VCF-style: chr10-68206817-C-T. GRCh37 (hg19) VCF-style: chr10-69966574-C-T.
Other names: c.3707C>T, p.Ala1236Val (NM_001256267.2); c.2825C>T, p.Ala942Val (NM_001256268.2); short protein forms A1236V, A942V.
Identifiers: ClinVar variation 3402023 (VCV003402023.1).

ClinVar aggregate classification (germline): Uncertain significance (1 of 4 stars; one submission).

Conditions:
Cardiovascular phenotype. Identifiers: MedGen CN230736.

Submission:

Ambry Genetics
Classification: Uncertain significance for Cardiovascular phenotype. Last evaluated: 2024-07-11. Review status: criteria provided, single submitter. Criteria: Ambry Variant Classification Scheme 2023. Collection method: clinical testing. Allele origin: germline.
Comment: The p.A1236V variant (also known as c.3707C>T), located in coding exon 18 of the MYPN gene, results from a C to T substitution at nucleotide position 3707. The alanine at codon 1236 is replaced by valine, an amino acid with similar properties. This amino acid position is conserved. In addition, this alteration is predicted to be tolerated by in silico analysis. Based on the available evidence, the clinical significance of this variant remains unclear.